The following is an entry in ClinVar:

ClinVar aggregate classification (germline): Uncertain significance. Review status: criteria provided, multiple submitters, no conflicts (2 of 4 stars). 5 submissions from 5 submitters: Uncertain significance (5). Last evaluated 2025-12-10.

Conditions:
Juvenile polyposis syndrome (JPS). Identifiers: Orphanet 2929, MedGen C0345893, MONDO:0017380, OMIM 174900.
Hereditary cancer-predisposing syndrome. Also called: Neoplastic Syndromes, Hereditary; Tumor predisposition; Hereditary neoplastic syndrome; Hereditary Cancer Syndrome. Identifiers: Orphanet 140162, MedGen C0027672, MeSH D009386, MONDO:0015356.
Polyposis syndrome, hereditary mixed, 2. Identifiers: Orphanet 157794, MedGen C1864730, MONDO:0012405, OMIM 610069.

Submissions (5):

Labcorp Genetics (formerly Invitae), Labcorp
Classification: Uncertain significance for Juvenile polyposis syndrome. Last evaluated: 2025-12-10. Review status: criteria provided, single submitter. Criteria: Invitae Variant Classification Sherloc (09022015). Collection method: clinical testing. Allele origin: germline.
Comment: This sequence change replaces serine, which is neutral and polar, with asparagine, which is neutral and polar, at codon 389 of the BMPR1A protein (p.Ser389Asn). This variant also falls at the last nucleotide of exon 10, which is part of the consensus splice site for this exon. This variant is not present in population databases (gnomAD no frequency). This variant has not been reported in the literature in individuals affected with BMPR1A-related conditions. ClinVar contains an entry for this variant (Variation ID: 246018). An algorithm developed to predict the effect of missense changes on protein structure and function (PolyPhen-2) suggests that this variant is likely to be disruptive. Variants that disrupt the consensus splice site are a relatively common cause of aberrant splicing (PMID: 17576681, 9536098). RNA analysis performed to evaluate the impact of this missense change on mRNA splicing indicates it does not significantly alter splicing (internal data). In summary, the available evidence is currently insufficient to determine the role of this variant in disease. Therefore, it has been classified as a Variant of Uncertain Significance.

Ambry Genetics
Classification: Uncertain significance for Hereditary cancer-predisposing syndrome. Last evaluated: 2025-08-20. Review status: criteria provided, single submitter. Criteria: Ambry Variant Classification Scheme 2023. Collection method: clinical testing. Allele origin: germline.
Comment: The p.S389N variant (also known as c.1166G>A), located in coding exon 8 of the BMPR1A gene, results from a G to A substitution at nucleotide position 1166. The serine at codon 389 is replaced by asparagine, an amino acid with highly similar properties. However, this change occurs in the last base pair of coding exon 8 and may have some effect on normal mRNA splicing. This nucleotide position is highly conserved in available vertebrate species. In silico splice site analysis predicts that this alteration will not have any significant effect on splicing. RNA studies have demonstrated that this alteration does not result in abnormal splicing in the set of samples tested (Ambry internal data). This variant was detected as heterozygous in individual(s) with no reported features of BMPR1A-related juvenile polyposis syndrome (Ambry internal data). This amino acid position is highly conserved in available vertebrate species. In addition, as a missense substitution this is predicted to be inconclusive by in silico analysis. Based on the available evidence, the clinical significance of this alteration remains unclear.

Color Diagnostics, LLC DBA Color Health
Classification: Uncertain significance for Hereditary cancer-predisposing syndrome. Last evaluated: 2023-10-18. Review status: criteria provided, single submitter. Criteria: ACMG Guidelines, 2015. Collection method: clinical testing. Allele origin: germline.
Comment: This missense variant replaces serine with asparagine at codon 389 of the BMPR1A protein. Computational prediction is inconclusive regarding the impact of this variant on protein structure and function. To our knowledge, functional studies have not been reported for this variant. This variant has not been reported in individuals affected with BMPR1A-related disorders in the literature. This variant has not been identified in the general population by the Genome Aggregation Database (gnomAD). The available evidence is insufficient to determine the role of this variant in disease conclusively. Therefore, this variant is classified as a Variant of Uncertain Significance.

Baylor Genetics
Classification: Uncertain significance for Polyposis syndrome, hereditary mixed, 2. Last evaluated: 2023-10-06. Review status: criteria provided, single submitter. Criteria: ACMG Guidelines, 2015. Collection method: clinical testing. Allele origin: unknown.

GeneDx
Classification: Uncertain significance. Last evaluated: 2023-08-14. Review status: criteria provided, single submitter. Criteria: GeneDx Variant Classification Process June 2021. Collection method: clinical testing. Allele origin: germline. Affected: yes.
Comment: Not observed at significant frequency in large population cohorts (gnomAD); In silico analysis supports that this missense variant has a deleterious effect on protein structure/function; Has not been previously published as pathogenic or benign to our knowledge

Literature cited by the submitters: PubMed 17576681 (cited by Labcorp Genetics (formerly Invitae), Labcorp); PubMed 9536098 (cited by Labcorp Genetics (formerly Invitae), Labcorp).

NM_004329.3(BMPR1A):c.1166G>A (p.Ser389Asn)

Gene: BMPR1A (bone morphogenetic protein receptor type 1A; plus strand). Cytogenetic location: 10q23.2.
Variant type: single nucleotide variant.
Coding change: c.1166G>A on transcript NM_004329.3 (MANE Select); coding-DNA position 1166, G replaced by A.
Protein change: p.Ser389Asn; replaces serine 389 with asparagine.
Molecular consequence: missense variant.
Genome position (GRCh38, 1-based): chr10:86,919,469, G>A. VCF-style: chr10-86919469-G-A. GRCh37 (hg19) VCF-style: chr10-88679226-G-A.
Other names: short protein forms S389N.
Identifiers: ClinVar variation 246018 (VCV000246018.18), dbSNP rs879254049, ClinGen allele CA10584309.